The following is an entry in ClinVar:

NM_206933.4(USH2A):c.5030A>G (p.His1677Arg)

Genes: USH2A (usherin; minus strand), USH2A-AS2 (USH2A antisense RNA 2; plus strand). Cytogenetic location: 1q41.
Variant type: single nucleotide variant.
Coding change: c.5030A>G on transcript NM_206933.4 (MANE Select); coding-DNA position 5030, A replaced by G.
Protein change: p.His1677Arg; replaces histidine 1677 with arginine.
Molecular consequence: missense variant.
Genome position (GRCh38, 1-based): chr1:216,084,835, T>C on the plus strand (A>G on the coding strand, the complement: USH2A is on the minus strand). VCF-style: chr1-216084835-T-C. GRCh37 (hg19) VCF-style: chr1-216258177-T-C.
Other names: short protein forms H1677R.
Identifiers: ClinVar variation 2144888 (VCV002144888.1), dbSNP rs775208336, ClinGen allele CA1395550.
Genomic context (GRCh38, chr1:216,084,835, plus strand): 5'-TCAGAACTCTGCCAATCCAGAGGTTCCCAAATAGCTGACGGATTGTAATTCTTCATAAAA[T>C]GTACATCCTTGAGACAGCCCACAAAACCTTTTTGGATTATCTCTGCAGGAGTTTATAGAT-3'
Protein context (NP_996816.3, residues 1667-1687): KGFVGCLKDV[His1677Arg]FMKNYNPSAI

ClinVar aggregate classification (germline): Uncertain significance (1 of 4 stars; one submission).

Allele frequency attached by ClinVar (database versions not stated): TOPMed below 0.00001; gnomAD 0.00001; gnomAD exomes 0.00001; ExAC 0.00002.
gnomAD v4.1: 9 of 1,613,408 alleles (0.00056%); highest among the groups gnomAD compares: South Asian, 0.0077%; no homozygotes.

Submission:

Labcorp Genetics (formerly Invitae), Labcorp
Classification: Uncertain significance. Last evaluated: 2021-09-17. Review status: criteria provided, single submitter. Criteria: Invitae Variant Classification Sherloc (09022015). Collection method: clinical testing. Allele origin: germline.
Comment: This sequence change replaces histidine with arginine at codon 1677 of the USH2A protein (p.His1677Arg). The histidine residue is weakly conserved and there is a small physicochemical difference between histidine and arginine. This variant is present in population databases (rs775208336, ExAC 0.01%). This variant has not been reported in the literature in individuals affected with USH2A-related conditions. Algorithms developed to predict the effect of missense changes on protein structure and function (SIFT, PolyPhen-2, Align-GVGD) all suggest that this variant is likely to be tolerated. In summary, the available evidence is currently insufficient to determine the role of this variant in disease. Therefore, it has been classified as a Variant of Uncertain Significance.